The following is an entry in ClinVar:

NM_002880.4(RAF1):c.1231T>C (p.Tyr411His)

Gene: RAF1 (Raf-1 proto-oncogene, serine/threonine kinase; minus strand). Cytogenetic location: 3p25.2.
Variant type: single nucleotide variant.
Coding change: c.1231T>C on transcript NM_002880.4 (MANE Select); coding-DNA position 1231, T replaced by C.
Protein change: p.Tyr411His; replaces tyrosine 411 with histidine.
Molecular consequence: missense variant. On other transcripts: non-coding transcript variant (3).
Genome position (GRCh38, 1-based): chr3:12,590,937, A>G on the plus strand (T>C on the coding strand, the complement: RAF1 is on the minus strand). VCF-style: chr3-12590937-A-G. GRCh37 (hg19) VCF-style: chr3-12632436-A-G.
Other names: c.1291T>C, p.Tyr431His (NM_001354689.3); c.1231T>C, p.Tyr411His (NM_001354690.3); c.988T>C, p.Tyr330His (NM_001354691.3, NM_001354692.3); c.1132T>C, p.Tyr378His (NM_001354693.3); c.1048T>C, p.Tyr350His (NM_001354694.3); c.889T>C, p.Tyr297His (NM_001354695.3); short protein forms Y378H, Y297H, Y411H, Y431H, Y330H, Y350H.
Identifiers: ClinVar variation 3635599 (VCV003635599.2).
Genomic context (GRCh38, chr3:12,590,937, plus strand): 5'-TGTAGAGGCTGCTGCCCTCGCACCACTGGGTCACAATTGCCAGGTTGTCCTTTGTCATGT[A>G]CCCCATGAAAAGCAGAATGTTCACATGCCGTGTTTTGCTGGGGAGGGGAGGGGAAGAGAG-3'
Protein context (NP_002871.1, residues 401-421): RHVNILLFMG[Tyr411His]MTKDNLAIVT

ClinVar aggregate classification (germline): Uncertain significance (1 of 4 stars; one submission).

Conditions:
RASopathy. Also called: Noonan spectrum disorder; rasopathies. Identifiers: Orphanet 536391, MedGen C5555857, MONDO:0021060.

Submission:

Labcorp Genetics (formerly Invitae), Labcorp
Classification: Uncertain significance for RASopathy. Last evaluated: 2024-03-19. Review status: criteria provided, single submitter. Criteria: Invitae Variant Classification Sherloc (09022015). Collection method: clinical testing. Allele origin: germline.
Comment: This sequence change replaces tyrosine, which is neutral and polar, with histidine, which is basic and polar, at codon 411 of the RAF1 protein (p.Tyr411His). This variant is not present in population databases (gnomAD no frequency). This variant has not been reported in the literature in individuals affected with RAF1-related conditions. Advanced modeling of protein sequence and biophysical properties (such as structural, functional, and spatial information, amino acid conservation, physicochemical variation, residue mobility, and thermodynamic stability) performed at Invitae indicates that this missense variant is expected to disrupt RAF1 protein function with a positive predictive value of 95%. In summary, the available evidence is currently insufficient to determine the role of this variant in disease. Therefore, it has been classified as a Variant of Uncertain Significance.